The following is an entry in ClinVar:

NM_001376.5(DYNC1H1):c.13181C>T (p.Thr4394Met)

Gene: DYNC1H1 (dynein cytoplasmic 1 heavy chain 1; plus strand). Cytogenetic location: 14q32.31.
Variant type: single nucleotide variant.
Coding change: c.13181C>T on transcript NM_001376.5 (MANE Select); coding-DNA position 13181, C replaced by T.
Protein change: p.Thr4394Met; replaces threonine 4394 with methionine.
Molecular consequence: missense variant.
Genome position (GRCh38, 1-based): chr14:102,047,991, C>T. VCF-style: chr14-102047991-C-T. GRCh37 (hg19) VCF-style: chr14-102514328-C-T.
Other names: short protein forms T4394M.
Identifiers: ClinVar variation 128930 (VCV000128930.35), dbSNP rs149300055, ClinGen allele CA152632.

ClinVar aggregate classification (germline): Conflicting classifications of pathogenicity. Review status: criteria provided, conflicting classifications (1 of 4 stars). 12 submissions from 11 submitters: Uncertain significance (1); Benign (2); Likely benign (8). 1 of the submissions does not count toward it. Last evaluated 2026-01-24.

Conditions:
DYNC1H1-related disorder. Also called: DYNC1H1-related condition; DYNC1H1-related disorders. Identifiers: MedGen CN381529.
Autosomal dominant cerebellar ataxia. Also called: Spinocerebellar Ataxia, Dominant. Identifiers: Orphanet 99, MedGen C4087347, MONDO:0020380.
Charcot-Marie-Tooth disease. Also called: Charcot-Marie-Tooth Neuropathy; Charcot-Marie-Tooth Hereditary Neuropathy. Identifiers: Orphanet 166, MedGen C0007959, MONDO:0015626.
Inborn genetic diseases. Identifiers: MedGen C0950123, MeSH D030342.
Charcot-Marie-Tooth disease axonal type 2O. Also called: Charcot-Marie-Tooth disease, axonal, type 20; Charcot-Marie-Tooth Neuropathy Type 2O; CHARCOT-MARIE-TOOTH NEUROPATHY, AXONAL, TYPE 2O; CHARCOT-MARIE-TOOTH DISEASE, AXONAL, AUTOSOMAL DOMINANT, TYPE 2O. Identifiers: Orphanet 284232, MedGen C3280220, MONDO:0013644, OMIM 614228.

Allele frequency attached by ClinVar (database versions not stated): 1000 Genomes Project 30x 0.00016; 1000 Genomes Project 0.00020; gnomAD exomes 0.00025; ExAC 0.00029; TOPMed 0.00033; gnomAD 0.00042; ESP Exome Variant Server 0.00054.
gnomAD v4.1: 924 of 1,612,286 alleles (0.057%); highest among the groups gnomAD compares: Non-Finnish European, 0.073%; no homozygotes.

Submissions (12):

Labcorp Genetics (formerly Invitae), Labcorp
Classification: Likely benign for Charcot-Marie-Tooth disease axonal type 2O. Last evaluated: 2026-01-24. Review status: criteria provided, single submitter. Criteria: Invitae Variant Classification Sherloc (09022015). Collection method: clinical testing. Allele origin: germline.

CeGaT Center for Human Genetics Tuebingen
Classification: Likely benign. Last evaluated: 2025-11-01. Review status: criteria provided, single submitter. Criteria: CeGaT Center For Human Genetics Tuebingen Variant Classification Criteria Version 2. Collection method: clinical testing. Allele origin: germline. Affected: yes. Observed: 2 variant alleles.
Comment: DYNC1H1: BS2

Blueprint Genetics
Classification: Likely benign. Last evaluated: 2024-11-19. Review status: criteria provided, single submitter. Criteria: ACMG Guidelines, 2015. Collection method: clinical testing. Allele origin: germline.

Mayo Clinic Laboratories, Mayo Clinic
Classification: Benign. Last evaluated: 2024-01-05. Review status: criteria provided, single submitter. Criteria: ACMG Guidelines, 2015. Collection method: clinical testing. Allele origin: germline. Observed: 2 variant alleles.
Comment: BS1, BS2, BP4

GeneDx
Classification: Benign. Last evaluated: 2019-08-08. Review status: criteria provided, single submitter. Criteria: GeneDx Variant Classification Process June 2021. Collection method: clinical testing. Allele origin: germline. Affected: yes.

Illumina Laboratory Services, Illumina
Classification: Likely benign for Spinocerebellar Ataxia, Dominant. Last evaluated: 2018-01-13. Review status: criteria provided, single submitter. Criteria: ICSL Variant Classification Criteria 13 December 2019. Collection method: clinical testing. Allele origin: germline.
Comment: This variant was observed in the ICSL laboratory as part of a predisposition screen in an ostensibly healthy population. It had not been previously curated by ICSL or reported in the Human Gene Mutation Database (HGMD: prior to June 1st, 2018), and was therefore a candidate for classification through an automated scoring system. Utilizing variant allele frequency, disease prevalence and penetrance estimates, and inheritance mode, an automated score was calculated to assess if this variant is too frequent to cause the disease. Based on the score and internal cut-off values, a variant classified as likely benign is not then subjected to further curation. The score for this variant resulted in a classification of likely benign for this disease.

Illumina Laboratory Services, Illumina
Classification: Uncertain significance for Charcot-Marie-Tooth disease axonal type 2O. Last evaluated: 2018-01-13. Review status: criteria provided, single submitter. Criteria: ICSL Variant Classification Criteria 13 December 2019. Collection method: clinical testing. Allele origin: germline.

Athena Diagnostics
Classification: Likely benign. Last evaluated: 2017-07-11. Review status: criteria provided, single submitter. Criteria: Athena Diagnostics Criteria. Collection method: clinical testing. Allele origin: germline.

Ambry Genetics
Classification: Likely benign for Inborn genetic diseases. Last evaluated: 2017-06-15. Review status: criteria provided, single submitter. Criteria: Ambry Variant Classification Scheme 2023. Collection method: clinical testing. Allele origin: germline.

Genetic Services Laboratory, University of Chicago
Classification: Likely benign. Last evaluated: 2014-10-17. Review status: criteria provided, single submitter. Criteria: ACMG Guidelines, 2015. Collection method: clinical testing. Allele origin: germline.

Molecular Genetics Laboratory, London Health Sciences Centre
Classification: Likely benign for Charcot-Marie-Tooth disease. Review status: criteria provided, single submitter. Criteria: ACMG Guidelines, 2015. Collection method: clinical testing. Allele origin: germline. Affected: yes.

PreventionGenetics, part of Exact Sciences
Classification: Likely benign for DYNC1H1-related condition. Last evaluated: 2022-02-14. Review status: no assertion criteria provided. Collection method: clinical testing. Allele origin: germline. Not counted in ClinVar's aggregate classification.
Comment: This variant is classified as likely benign based on ACMG/AMP sequence variant interpretation guidelines (Richards et al. 2015 PMID: 25741868, with internal and published modifications).